The following is an entry in ClinVar:

NM_022168.4(IFIH1):c.2570C>G (p.Ala857Gly)

Gene: IFIH1 (interferon induced with helicase C domain 1; minus strand). Cytogenetic location: 2q24.2.
Variant type: single nucleotide variant.
Coding change: c.2570C>G on transcript NM_022168.4 (MANE Select); coding-DNA position 2570, C replaced by G.
Protein change: p.Ala857Gly; replaces alanine 857 with glycine.
Molecular consequence: missense variant.
Genome position (GRCh38, 1-based): chr2:162,272,272, G>C on the plus strand (C>G on the coding strand, the complement: IFIH1 is on the minus strand). VCF-style: chr2-162272272-G-C. GRCh37 (hg19) VCF-style: chr2-163128782-G-C.
Other names: short protein forms A857G.
Identifiers: ClinVar variation 1357617 (VCV001357617.9), dbSNP rs746638759, ClinGen allele CA1934144.

ClinVar aggregate classification (germline): Uncertain significance (1 of 4 stars; one submission).

Conditions:
Aicardi-Goutieres syndrome 7 (AGS7). Identifiers: Orphanet 51, MedGen C3888244, MONDO:0014367, OMIM 615846.
Singleton-Merten syndrome 1 (SGMRT1). Also called: Widened medullary cavities of bone, aortic calcification, abnormal dentition, and muscular weakness; Syndrome of widened medullary cavities of the metacarpals and phalanges, aortic calcification and abnormal dentition. Identifiers: Orphanet 85191, MedGen C4225427, MONDO:0024535, OMIM 182250.

Allele frequency attached by ClinVar (database versions not stated): gnomAD exomes below 0.00001 and 0.00001; ExAC 0.00002.

Submissions (2):

Labcorp Genetics (formerly Invitae), Labcorp
Classification: Uncertain significance for Aicardi-Goutieres syndrome 7; Singleton-Merten syndrome 1. Last evaluated: 2025-12-19. Review status: criteria provided, single submitter. Criteria: Invitae Variant Classification Sherloc (09022015). Collection method: clinical testing. Allele origin: germline.
Comment: This sequence change replaces alanine, which is neutral and non-polar, with glycine, which is neutral and non-polar, at codon 857 of the IFIH1 protein (p.Ala857Gly). This variant is present in population databases (rs746638759, gnomAD 0.003%). This variant has not been reported in the literature in individuals affected with IFIH1-related conditions. ClinVar contains an entry for this variant (Variation ID: 1357617). Invitae Evidence Modeling of protein sequence and biophysical properties (such as structural, functional, and spatial information, amino acid conservation, physicochemical variation, residue mobility, and thermodynamic stability) has been performed for this missense variant. However, the output from this modeling did not meet the statistical confidence thresholds required to predict the impact of this variant on IFIH1 protein function. Algorithms developed to predict the effect of sequence changes on RNA splicing suggest that this variant may disrupt the consensus splice site. In summary, the available evidence is currently insufficient to determine the role of this variant in disease. Therefore, it has been classified as a Variant of Uncertain Significance.

Dr. Peter K. Rogan Lab, Western University
No classification provided (evidence only). Condition: Gastric cancer. Review status: no classification provided. Collection method: in vitro. Allele origin: not applicable. Functional consequence: retained intron. Not counted in ClinVar's aggregate classification.